The following is an entry in ClinVar:

ClinVar aggregate classification (germline): Likely benign. Review status: criteria provided, multiple submitters, no conflicts (2 of 4 stars). 4 submissions from 4 submitters: Likely benign (4). Last evaluated 2024-05-10.

Conditions:
Hereditary cancer-predisposing syndrome. Also called: Neoplastic Syndromes, Hereditary; Hereditary neoplastic syndrome; Tumor predisposition; Hereditary Cancer Syndrome. Identifiers: Orphanet 140162, MedGen C0027672, MeSH D009386, MONDO:0015356.
Familial cancer of breast. Also called: BREAST CANCER, FAMILIAL; hereditary breast carcinoma; Hereditary breast cancer. Identifiers: Orphanet 227535, MedGen C0346153, MONDO:0016419, OMIM 114480. Disease mechanism: loss of function.
Ataxia-telangiectasia syndrome (AT). Also called: AT, COMPLEMENTATION GROUP C; ATAXIA-TELANGIECTASIA, COMPLEMENTATION GROUP A; ATAXIA-TELANGIECTASIA, FRESNO VARIANT; LOUIS-BAR SYNDROME; Ataxia-telangiectasia; Cerebello-oculocutaneous telangiectasia. Identifiers: Orphanet 100, MedGen C0004135, MONDO:0008840, OMIM 208900.

Allele frequency attached by ClinVar (database versions not stated): gnomAD below 0.00001 and 0.00001; ExAC 0.00001; gnomAD exomes 0.00001.

Submissions (4):

Myriad Genetics, Inc.
Classification: Likely benign for Familial cancer of breast. Last evaluated: 2024-05-10. Review status: criteria provided, single submitter. Criteria: Myriad Autosomal Dominant, Autosomal Recessive and X-Linked Classification Criteria (2023). Collection method: clinical testing. Allele origin: unknown.
Comment: This variant is considered likely benign. This variant is intronic and is not expected to impact mRNA splicing.

Labcorp Genetics (formerly Invitae), Labcorp
Classification: Likely benign for Ataxia-telangiectasia syndrome. Last evaluated: 2024-01-18. Review status: criteria provided, single submitter. Criteria: Invitae Variant Classification Sherloc (09022015). Collection method: clinical testing. Allele origin: germline.

Color Diagnostics, LLC DBA Color Health
Classification: Likely benign for Hereditary cancer-predisposing syndrome. Last evaluated: 2019-01-30. Review status: criteria provided, single submitter. Criteria: ACMG Guidelines, 2015. Collection method: clinical testing. Allele origin: germline.

GeneDx
Classification: Likely benign. Last evaluated: 2016-04-12. Review status: criteria provided, single submitter. Criteria: GeneDx Variant Classification (06012015). Collection method: clinical testing. Allele origin: germline. Affected: yes.
Comment: This variant is considered likely benign or benign based on one or more of the following criteria: it is a conservative change, it occurs at a poorly conserved position in the protein, it is predicted to be benign by multiple in silico algorithms, and/or has population frequency not consistent with disease.

NM_000051.4(ATM):c.2922-14T>C

Gene: ATM (ATM serine/threonine kinase; plus strand). Cytogenetic location: 11q22.3.
Variant type: single nucleotide variant.
Coding change: c.2922-14T>C on transcript NM_000051.4 (MANE Select); 14 bases into the intron before coding-DNA position 2922, T replaced by C.
Molecular consequence: intron variant.
Genome position (GRCh38, 1-based): chr11:108,271,237, T>C. VCF-style: chr11-108271237-T-C. GRCh37 (hg19) VCF-style: chr11-108141964-T-C.
Other names: c.2922-14T>C (NM_001351834.2).
Identifiers: ClinVar variation 385533 (VCV000385533.9), dbSNP rs761100734, ClinGen allele CA6265156.
Genomic context (GRCh38, chr11:108,271,237, plus strand): 5'-CTTTAAAGTTATAAAATAACTGATGTGTTCTGTTAAGCTTATAAAGTTGAACTTTTTTTT[T>C]TTTTTTACCACAGCAATGTGTGTTCTTTGTATCGTCGTGACCAAGATGTTTGTAAAACTA-3'